The following is an entry in ClinVar:

NM_005751.5(AKAP9):c.6898C>G (p.Gln2300Glu)

Gene: AKAP9 (A-kinase anchoring protein 9; plus strand). Cytogenetic location: 7q21.2.
Variant type: single nucleotide variant.
Coding change: c.6898C>G on transcript NM_005751.5 (MANE Select); coding-DNA position 6898, C replaced by G.
Protein change: p.Gln2300Glu; replaces glutamine 2300 with glutamic acid.
Molecular consequence: missense variant.
Genome position (GRCh38, 1-based): chr7:92,077,828, C>G. VCF-style: chr7-92077828-C-G. GRCh37 (hg19) VCF-style: chr7-91707142-C-G.
Other names: c.1543C>G, p.Gln515Glu (NM_001379277.1); c.6874C>G, p.Gln2292Glu (NM_147185.3); short protein forms Q2300E, Q2292E, Q515E.
Identifiers: ClinVar variation 2884458 (VCV002884458.3), dbSNP rs778698845, ClinGen allele CA4337187.

ClinVar aggregate classification (germline): Uncertain significance (1 of 4 stars; one submission).

Conditions:
Long QT syndrome (LQTS). Identifiers: MedGen C0023976, MeSH D008133, MONDO:0002442. Disease mechanism: loss of function. Inheritance: Various modes of inheritance.

Allele frequency attached by ClinVar (database versions not stated): gnomAD exomes 0.00002; ExAC 0.00007.
gnomAD v4.1: 36 of 1,613,480 alleles (0.0022%); highest among the groups gnomAD compares: South Asian, 0.038%; 1 homozygote.

Submission:

Labcorp Genetics (formerly Invitae), Labcorp
Classification: Uncertain significance for Long QT syndrome. Last evaluated: 2024-09-30. Review status: criteria provided, single submitter. Criteria: Invitae Variant Classification Sherloc (09022015). Collection method: clinical testing. Allele origin: germline.
Comment: This sequence change replaces glutamine, which is neutral and polar, with glutamic acid, which is acidic and polar, at codon 2300 of the AKAP9 protein (p.Gln2300Glu). This variant is present in population databases (rs778698845, gnomAD 0.04%). This variant has not been reported in the literature in individuals affected with AKAP9-related conditions. An algorithm developed to predict the effect of missense changes on protein structure and function (PolyPhen-2) suggests that this variant is likely to be disruptive. In summary, the available evidence is currently insufficient to determine the role of this variant in disease. Therefore, it has been classified as a Variant of Uncertain Significance.